The following is an entry in ClinVar:

ClinVar aggregate classification (germline): Uncertain significance (1 of 4 stars; one submission).

Submission:

Labcorp Genetics (formerly Invitae), Labcorp
Classification: Uncertain significance. Last evaluated: 2021-12-20. Review status: criteria provided, single submitter. Criteria: Invitae Variant Classification Sherloc (09022015). Collection method: clinical testing. Allele origin: germline.
Comment: This variant disrupts the p.Arg264 amino acid residue in TUBA1A. Other variant(s) that disrupt this residue have been determined to be pathogenic (PMID: 17218254, 18199681, 27431206, 28677066, 29671837). This suggests that this residue is clinically significant, and that variants that disrupt this residue are likely to be disease-causing. In summary, the available evidence is currently insufficient to determine the role of this variant in disease. Therefore, it has been classified as a Variant of Uncertain Significance. Algorithms developed to predict the effect of missense changes on protein structure and function (SIFT, PolyPhen-2, Align-GVGD) all suggest that this variant is likely to be disruptive. This variant has not been reported in the literature in individuals affected with TUBA1A-related conditions. This variant is not present in population databases (gnomAD no frequency). This sequence change replaces arginine, which is basic and polar, with leucine, which is neutral and non-polar, at codon 264 of the TUBA1A protein (p.Arg264Leu).

Literature cited by the submitters: PubMed 17218254; PubMed 18199681; PubMed 27431206; PubMed 28677066; PubMed 29671837.

NM_006009.4(TUBA1A):c.791G>T (p.Arg264Leu)

Gene: TUBA1A (tubulin alpha 1a; minus strand). Cytogenetic location: 12q13.12.
Variant type: single nucleotide variant.
Coding change: c.791G>T on transcript NM_006009.4 (MANE Select); coding-DNA position 791, G replaced by T.
Protein change: p.Arg264Leu; replaces arginine 264 with leucine.
Molecular consequence: missense variant.
Genome position (GRCh38, 1-based): chr12:49,185,575, C>A on the plus strand (G>T on the coding strand, the complement: TUBA1A is on the minus strand). VCF-style: chr12-49185575-C-A. GRCh37 (hg19) VCF-style: chr12-49579358-C-A.
Other names: c.791G>T, p.Arg264Leu (NM_001270399.2); c.686G>T, p.Arg229Leu (NM_001270400.2); short protein forms R229L, R264L.
Identifiers: ClinVar variation 2050568 (VCV002050568.4), dbSNP rs886043627, ClinGen allele CA384639705.